The following is an entry in ClinVar:

NM_001384140.1(PCDH15):c.734G>A (p.Arg245Gln)

Gene: PCDH15 (protocadherin related 15; minus strand). Cytogenetic location: 10q21.1.
Variant type: single nucleotide variant.
Coding change: c.734G>A on transcript NM_001384140.1 (MANE Select); coding-DNA position 734, G replaced by A.
Protein change: p.Arg245Gln; replaces arginine 245 with glutamine.
Molecular consequence: missense variant.
Genome position (GRCh38, 1-based): chr10:54,317,413, C>T on the plus strand (G>A on the coding strand, the complement: PCDH15 is on the minus strand). VCF-style: chr10-54317413-C-T. GRCh37 (hg19) VCF-style: chr10-56077173-C-T.
Other names: c.734G>A, p.Arg245Gln (NM_001142772.2, NM_001354411.2, NM_001354420.2 and 7 more transcripts); c.668G>A, p.Arg223Gln (NM_001142773.2, NM_001354404.2, NM_001142768.2); c.749G>A, p.Arg250Gln (NM_001142771.2, NM_001142763.2, NM_001142769.4); c.623G>A, p.Arg208Gln (NM_001142767.2); short protein forms R245Q, R208Q, R223Q, R250Q.
Identifiers: ClinVar variation 164932 (VCV000164932.14), dbSNP rs562377533, ClinGen allele CA177611.

ClinVar aggregate classification (germline): Uncertain significance. Review status: criteria provided, multiple submitters, no conflicts (2 of 4 stars). 8 submissions from 8 submitters: Uncertain significance (5). 3 of the submissions do not count toward it. Last evaluated 2025-01-24.

Conditions:
PCDH15-related disorder. Also called: PCDH15-related condition; PCDH15-related disorders.
Optic atrophy. Identifiers: MedGen C0029124, MONDO:0003608, HP:0000648.
Usher syndrome type 1D (USH1D). Also called: USHER SYNDROME, TYPE ID. Identifiers: Orphanet 231169, Orphanet 886, MedGen C1832845, MONDO:0010984, OMIM 601067.
Usher syndrome type 1F (USH1F). Also called: USHER SYNDROME, TYPE IF. Identifiers: Orphanet 231169, Orphanet 886, MedGen C1865885, MONDO:0011186, OMIM 602083.
Autosomal recessive nonsyndromic hearing loss 23. Identifiers: Orphanet 90636, MedGen C1836027, MONDO:0012293, OMIM 609533.

Allele frequency attached by ClinVar (database versions not stated): gnomAD 0.00005 and 0.00007; TOPMed 0.00020; 1000 Genomes Project 30x 0.00031; 1000 Genomes Project 0.00040.
gnomAD v4.1: 312 of 1,613,776 alleles (0.019%); highest among the groups gnomAD compares: East Asian, 0.031%; no homozygotes.

Submissions (8):

Labcorp Genetics (formerly Invitae), Labcorp
Classification: Uncertain significance. Last evaluated: 2025-01-24. Review status: criteria provided, single submitter. Criteria: Invitae Variant Classification Sherloc (09022015). Collection method: clinical testing. Allele origin: germline.
Comment: This sequence change replaces arginine, which is basic and polar, with glutamine, which is neutral and polar, at codon 245 of the PCDH15 protein (p.Arg245Gln). This variant is present in population databases (rs562377533, gnomAD 0.02%). This variant has not been reported in the literature in individuals affected with PCDH15-related conditions. ClinVar contains an entry for this variant (Variation ID: 164932). Invitae Evidence Modeling of protein sequence and biophysical properties (such as structural, functional, and spatial information, amino acid conservation, physicochemical variation, residue mobility, and thermodynamic stability) indicates that this missense variant is not expected to disrupt PCDH15 protein function with a negative predictive value of 95%. In summary, the available evidence is currently insufficient to determine the role of this variant in disease. Therefore, it has been classified as a Variant of Uncertain Significance.

GeneDx
Classification: Uncertain significance. Last evaluated: 2024-12-18. Review status: criteria provided, single submitter. Criteria: GeneDx Variant Classification Process June 2021. Collection method: clinical testing. Allele origin: germline. Affected: yes.
Comment: In silico analysis indicates that this missense variant does not alter protein structure/function; Has not been previously published as pathogenic or benign to our knowledge

Blueprint Genetics
Classification: Uncertain significance. Last evaluated: 2024-11-14. Review status: criteria provided, single submitter. Criteria: ACMG Guidelines, 2015. Collection method: clinical testing. Allele origin: germline.

Fulgent Genetics
Classification: Uncertain significance for Usher syndrome type 1D; Usher syndrome type 1F; Autosomal recessive nonsyndromic hearing loss 23. Last evaluated: 2021-09-17. Review status: criteria provided, single submitter. Criteria: ACMG Guidelines, 2015. Collection method: clinical testing. Allele origin: unknown.

Laboratory for Molecular Medicine, Mass General Brigham Personalized Medicine
Classification: Uncertain significance. Last evaluated: 2013-06-12. Review status: criteria provided, single submitter. Criteria: LMM Criteria. Collection method: clinical testing. Allele origin: germline. Observed: 1 variant allele.
Comment: The Arg245Gln variant in PCDH15 has not been reported in individuals with hearin g loss and was not identified in large population studies. Computational analyse s (biochemical amino acid properties, conservation, AlignGVGD, PolyPhen2, and SI FT) do not provide strong support for or against an impact to the protein. In s ummary, additional studies are needed to fully assess the clinical significance of the Arg245Gln variant.

PreventionGenetics, part of Exact Sciences
Classification: Uncertain significance for PCDH15-related condition. Last evaluated: 2024-09-12. Review status: no assertion criteria provided. Collection method: clinical testing. Allele origin: germline. Not counted in ClinVar's aggregate classification.
Comment: The PCDH15 c.734G>A variant is predicted to result in the amino acid substitution p.Arg245Gln. To our knowledge, this variant has not been reported in the literature. This variant is reported in 0.022% of alleles in individuals of European (Non-Finnish) descent in gnomAD. At this time, the clinical significance of this variant is uncertain due to the absence of conclusive functional and genetic evidence.

Institute of Human Genetics, Univ. Regensburg, Univ. Regensburg
Classification: Uncertain significance for Optic atrophy. Last evaluated: 2023-01-01. Review status: no assertion criteria provided. Criteria: ACMG Guidelines, 2015. Collection method: clinical testing. Allele origin: germline. Affected: yes. Not counted in ClinVar's aggregate classification.

Natera, Inc.
Classification: Uncertain significance for Usher syndrome type 1F. Last evaluated: 2020-02-11. Review status: no assertion criteria provided. Collection method: clinical testing. Allele origin: germline. Not counted in ClinVar's aggregate classification.